The following is an entry in ClinVar:

ClinVar aggregate classification (germline): Uncertain significance (1 of 4 stars; one submission).

Conditions:
Alpha thalassemia-X-linked intellectual disability syndrome (ATRX). Also called: ALPHA-THALASSEMIA/MENTAL RETARDATION SYNDROME, X-LINKED; ATR, NONDELETION TYPE; ATR-X syndrome; Alpha thalassemia mental retardation syndrome, nondeletion type, X-linked; XLMR hypotonic face syndrome; X-linked alpha-thalassemia-mental retardation syndrome. Identifiers: Orphanet 847, MedGen C1845055, MONDO:0010519, OMIM 301040.

Submission:

Labcorp Genetics (formerly Invitae), Labcorp
Classification: Uncertain significance for Alpha thalassemia-X-linked intellectual disability syndrome. Last evaluated: 2022-07-05. Review status: criteria provided, single submitter. Criteria: Invitae Variant Classification Sherloc (09022015). Collection method: clinical testing. Allele origin: germline.
Comment: ClinVar contains an entry for this variant (Variation ID: 1016455). In summary, the available evidence is currently insufficient to determine the role of this variant in disease. Therefore, it has been classified as a Variant of Uncertain Significance. Advanced modeling of protein sequence and biophysical properties (such as structural, functional, and spatial information, amino acid conservation, physicochemical variation, residue mobility, and thermodynamic stability) performed at Invitae indicates that this missense variant is expected to disrupt ATRX protein function. This variant has not been reported in the literature in individuals affected with ATRX-related conditions. This variant is not present in population databases (gnomAD no frequency). This sequence change replaces tryptophan, which is neutral and slightly polar, with glycine, which is neutral and non-polar, at codon 1887 of the ATRX protein (p.Trp1887Gly).

NM_000489.6(ATRX):c.5659T>G (p.Trp1887Gly)

Gene: ATRX (ATRX chromatin remodeler; minus strand). Cytogenetic location: Xq21.1.
Variant type: single nucleotide variant.
Coding change: c.5659T>G on transcript NM_000489.6 (MANE Select); coding-DNA position 5659, T replaced by G.
Protein change: p.Trp1887Gly; replaces tryptophan 1887 with glycine.
Molecular consequence: missense variant.
Genome position (GRCh38, 1-based): chrX:77,600,472, A>C on the plus strand (T>G on the coding strand, the complement: ATRX is on the minus strand). VCF-style: chrX-77600472-A-C. GRCh37 (hg19) VCF-style: chrX-76855941-A-C.
Other names: c.5545T>G, p.Trp1849Gly (NM_138270.5); short protein forms W1849G, W1887G.
Identifiers: ClinVar variation 1016455 (VCV001016455.9), dbSNP rs2066634036, ClinGen allele CA413698232.